The following is an entry in ClinVar:

NM_005045.4(RELN):c.185C>T (p.Ala62Val)

Gene: RELN (reelin; minus strand). Cytogenetic location: 7q22.1.
Variant type: single nucleotide variant.
Coding change: c.185C>T on transcript NM_005045.4 (MANE Select); coding-DNA position 185, C replaced by T.
Protein change: p.Ala62Val; replaces alanine 62 with valine.
Molecular consequence: missense variant.
Genome position (GRCh38, 1-based): chr7:103,989,172, G>A on the plus strand (C>T on the coding strand, the complement: RELN is on the minus strand). VCF-style: chr7-103989172-G-A. GRCh37 (hg19) VCF-style: chr7-103629619-G-A.
Other names: c.185C>T, p.Ala62Val (NM_173054.3); short protein forms A62V.
Identifiers: ClinVar variation 392963 (VCV000392963.9), dbSNP rs756018749, ClinGen allele CA4422707.

ClinVar aggregate classification (germline): Conflicting classifications of pathogenicity. Review status: criteria provided, conflicting classifications (1 of 4 stars). 2 submissions from 2 submitters: Uncertain significance (1); Likely benign (1). Last evaluated 2025-10-26.

Conditions:
Norman-Roberts syndrome (LIS2). Also called: Lissencephaly 2 (Norman-Roberts type). Identifiers: Orphanet 89844, MedGen C0796089, MONDO:0009760, OMIM 257320.
Familial temporal lobe epilepsy 7. Identifiers: Orphanet 101046, MedGen C4225327, MONDO:0014639, OMIM 616436.

Allele frequency attached by ClinVar (database versions not stated): gnomAD exomes 0.00001; ExAC 0.00002; gnomAD 0.00002 and 0.00004; TOPMed 0.00002.

Submissions (2):

Labcorp Genetics (formerly Invitae), Labcorp
Classification: Likely benign for Familial temporal lobe epilepsy 7; Norman-Roberts syndrome. Last evaluated: 2025-10-26. Review status: criteria provided, single submitter. Criteria: Invitae Variant Classification Sherloc (09022015). Collection method: clinical testing. Allele origin: germline.

GeneDx
Classification: Uncertain significance. Last evaluated: 2022-03-24. Review status: criteria provided, single submitter. Criteria: GeneDx Variant Classification Process June 2021. Collection method: clinical testing. Allele origin: germline. Affected: yes.
Comment: Not observed at significant frequency in large population cohorts (gnomAD); In silico analysis supports that this missense variant does not alter protein structure/function; Has not been previously published as pathogenic or benign to our knowledge